The following is an entry in ClinVar:

ClinVar aggregate classification (germline): Uncertain significance (1 of 4 stars; one submission).

Submission:

Labcorp Genetics (formerly Invitae), Labcorp
Classification: Uncertain significance. Last evaluated: 2021-03-10. Review status: criteria provided, single submitter. Criteria: Invitae Variant Classification Sherloc (09022015). Collection method: clinical testing. Allele origin: germline.
Comment: This sequence change falls in intron 1 of the PRCD gene. It does not directly change the encoded amino acid sequence of the PRCD protein. It affects a nucleotide within the consensus splice site of the intron. This variant is not present in population databases (ExAC no frequency). This variant has not been reported in the literature in individuals with PRCD-related conditions. Nucleotide substitutions within the consensus splice site are a relatively common cause of aberrant splicing (PMID: 17576681, 9536098). Algorithms developed to predict the effect of sequence changes on RNA splicing suggest that this variant may disrupt the consensus splice site, but this prediction has not been confirmed by published transcriptional studies. In summary, the available evidence is currently insufficient to determine the role of this variant in disease. Therefore, it has been classified as a Variant of Uncertain Significance.

Literature cited by the submitters: PubMed 17576681; PubMed 9536098.

NM_001077620.3(PRCD):c.74+5G>C

Genes: CYGB (cytoglobin; minus strand), PRCD (photoreceptor disc component; plus strand). Cytogenetic location: 17q25.1.
Variant type: single nucleotide variant.
Coding change: c.74+5G>C on transcript NM_001077620.3 (MANE Select); 5 bases into the intron after coding-DNA position 74, G replaced by C.
Molecular consequence: intron variant.
Genome position (GRCh38, 1-based): chr17:76,540,220, G>C. VCF-style: chr17-76540220-G-C. GRCh37 (hg19) VCF-style: chr17-74536302-G-C.
Identifiers: ClinVar variation 1489841 (VCV001489841.6), dbSNP rs2143140478, ClinGen allele CA2573154985.
Genomic context (GRCh38, chr17:76,540,220, plus strand): 5'-CTGCTCAGCACCCTGGCCATGCTCTGGCGCCGCCGATTTGCCAACCGAGTCCAACCGTGA[G>C]AAACTGACCGGGCTATGGCTGGCGGTTGGTCGGGGGGGGGGGGCATGGGGCTGGGCTGCC-3'